The following is an entry in ClinVar:

NM_001256071.3(RNF213):c.10336C>T (p.Arg3446Trp)

Genes: RNF213 (ring finger protein 213; plus strand), RNF213-AS1 (RNF213 antisense RNA 1; minus strand). Cytogenetic location: 17q25.3.
Variant type: single nucleotide variant.
Coding change: c.10336C>T on transcript NM_001256071.3 (MANE Select); coding-DNA position 10336, C replaced by T.
Protein change: p.Arg3446Trp; replaces arginine 3446 with tryptophan.
Molecular consequence: missense variant. On other transcripts: non-coding transcript variant (1).
Genome position (GRCh38, 1-based): chr17:80,352,972, C>T. VCF-style: chr17-80352972-C-T. GRCh37 (hg19) VCF-style: chr17-78326772-C-T.
Other names: c.10483C>T, p.Arg3495Trp (NM_001410195.1, NM_020914.5); short protein forms R3446W, R3495W.
Identifiers: ClinVar variation 2171455 (VCV002171455.4), dbSNP rs776943470, ClinGen allele CA8821405.

ClinVar aggregate classification (germline): Uncertain significance (1 of 4 stars; one submission).

Allele frequency attached by ClinVar (database versions not stated): TOPMed 0.00001; ExAC 0.00002; gnomAD 0.00002; gnomAD exomes 0.00002.
gnomAD v4.1: 43 of 1,613,920 alleles (0.0027%); highest among the groups gnomAD compares: East Asian, 0.0045%; no homozygotes.

Submission:

Labcorp Genetics (formerly Invitae), Labcorp
Classification: Uncertain significance. Last evaluated: 2024-01-29. Review status: criteria provided, single submitter. Criteria: Invitae Variant Classification Sherloc (09022015). Collection method: clinical testing. Allele origin: germline.
Comment: This sequence change replaces arginine, which is basic and polar, with tryptophan, which is neutral and slightly polar, at codon 3446 of the RNF213 protein (p.Arg3446Trp). This variant is present in population databases (rs776943470, gnomAD 0.005%). This missense change has been observed in individual(s) with clinical features of RNF213-related conditions (PMID: 30925911). ClinVar contains an entry for this variant (Variation ID: 2171455). An algorithm developed to predict the effect of missense changes on protein structure and function (PolyPhen-2) suggests that this variant is likely to be disruptive. In summary, the available evidence is currently insufficient to determine the role of this variant in disease. Therefore, it has been classified as a Variant of Uncertain Significance.

Literature cited by the submitters: PubMed 30925911.